The following is an entry in ClinVar:

NM_005219.5(DIAPH1):c.2954A>G (p.Asn985Ser)

Gene: DIAPH1 (diaphanous related formin 1; minus strand). Cytogenetic location: 5q31.3.
Variant type: single nucleotide variant.
Coding change: c.2954A>G on transcript NM_005219.5 (MANE Select); coding-DNA position 2954, A replaced by G.
Protein change: p.Asn985Ser; replaces asparagine 985 with serine.
Molecular consequence: missense variant.
Genome position (GRCh38, 1-based): chr5:141,528,766, T>C on the plus strand (A>G on the coding strand, the complement: DIAPH1 is on the minus strand). VCF-style: chr5-141528766-T-C. GRCh37 (hg19) VCF-style: chr5-140908333-T-C.
Other names: c.2927A>G, p.Asn976Ser (NM_001079812.3); c.2954A>G, p.Asn985Ser (NM_001314007.2); short protein forms N976S, N985S.
Identifiers: ClinVar variation 3251164 (VCV003251164.18), dbSNP rs2513625097.

ClinVar aggregate classification (germline): Uncertain significance (1 of 4 stars; one submission).

Submission:

CeGaT Center for Human Genetics Tuebingen
Classification: Uncertain significance. Last evaluated: 2024-06-01. Review status: criteria provided, single submitter. Criteria: CeGaT Center For Human Genetics Tuebingen Variant Classification Criteria Version 2. Collection method: clinical testing. Allele origin: germline. Affected: yes. Observed: 1 variant allele.
Comment: DIAPH1: PM2